The following is an entry in ClinVar:

NM_020706.2(SCAF4):c.1192delinsAAGA (p.Phe398delinsLysIle)

Gene: SCAF4 (SR-related CTD associated factor 4; minus strand). Cytogenetic location: 21q22.11.
Variant type: Indel.
Coding change: c.1192delinsAAGA on transcript NM_020706.2 (MANE Select); coding-DNA position 1192, T replaced by AAGA.
Protein change: p.Phe398delinsLysIle.
Molecular consequence: inframe indel.
Genome position (GRCh38, 1-based): chr21:31,694,857, A replaced by TCTT on the plus strand (T replaced by AAGA on the coding strand, the reverse complement: SCAF4 is on the minus strand). VCF-style: chr21-31694857-A-TCTT. GRCh37 (hg19) VCF-style: chr21-33067170-A-TCTT.
Other names: c.1147delinsAAGA, p.Phe383delinsLysIle (NM_001145444.1); c.1192delinsAAGA, p.Phe398delinsLysIle (NM_001145445.1).
Identifiers: ClinVar variation 3774837 (VCV003774837.1).

ClinVar aggregate classification (germline): Uncertain significance (1 of 4 stars; one submission).

Submission:

GeneDx
Classification: Uncertain significance. Last evaluated: 2024-09-26. Review status: criteria provided, single submitter. Criteria: GeneDx Variant Classification Process June 2021. Collection method: clinical testing. Allele origin: germline. Affected: yes.
Comment: Not observed at significant frequency in large population cohorts (gnomAD); In-frame deletion of 1 amino acid and insertion of 2 different amino acids in a non-repeat region; In silico analysis indicates that this variant does not alter protein structure/function; Has not been previously published as pathogenic or benign to our knowledge